The following is an entry in ClinVar:

NM_000481.4(AMT):c.317T>C (p.Ile106Thr)

Gene: AMT (aminomethyltransferase; minus strand). Cytogenetic location: 3p21.31.
Variant type: single nucleotide variant.
Coding change: c.317T>C on transcript NM_000481.4 (MANE Select); coding-DNA position 317, T replaced by C.
Protein change: p.Ile106Thr; replaces isoleucine 106 with threonine.
Molecular consequence: missense variant. On other transcripts: non-coding transcript variant (1).
Genome position (GRCh38, 1-based): chr3:49,421,514, A>G on the plus strand (T>C on the coding strand, the complement: AMT is on the minus strand). VCF-style: chr3-49421514-A-G. GRCh37 (hg19) VCF-style: chr3-49458947-A-G.
Other names: c.317T>C, p.Ile106Thr (NM_001164710.2, NM_001164712.2); c.149T>C, p.Ile50Thr (NM_001164711.2); short protein forms I106T, I50T.
Identifiers: ClinVar variation 1071418 (VCV001071418.14), dbSNP rs1249645541, ClinGen allele CA352790866.

ClinVar aggregate classification (germline): Pathogenic. Review status: criteria provided, multiple submitters, no conflicts (2 of 4 stars). 4 submissions from 4 submitters: Pathogenic (4). Last evaluated 2025-11-01.

Conditions:
Glycine encephalopathy. Also called: Non-ketotic hyperglycinemia; Nonketotic hyperglycinemia. Identifiers: Orphanet 407, MedGen C0751748, MONDO:0011612, HP:0008288.

Allele frequency attached by ClinVar (database versions not stated): gnomAD exomes below 0.00001 and 0.00001; gnomAD 0.00001.

Submissions (4):

CeGaT Center for Human Genetics Tuebingen
Classification: Pathogenic. Last evaluated: 2025-11-01. Review status: criteria provided, single submitter. Criteria: CeGaT Center For Human Genetics Tuebingen Variant Classification Criteria Version 2. Collection method: clinical testing. Allele origin: germline. Affected: yes. Observed: 1 variant allele.
Comment: AMT: PM3:Very Strong, PM2, PP3

Labcorp Genetics (formerly Invitae), Labcorp
Classification: Pathogenic for Glycine encephalopathy. Last evaluated: 2025-08-20. Review status: criteria provided, single submitter. Criteria: Invitae Variant Classification Sherloc (09022015). Collection method: clinical testing. Allele origin: germline.
Comment: This sequence change replaces isoleucine, which is neutral and non-polar, with threonine, which is neutral and polar, at codon 106 of the AMT protein (p.Ile106Thr). This variant is present in population databases (no rsID available, gnomAD 0.003%). This missense change has been observed in individual(s) with glycine encephalopathy (PMID: 26179960). In at least one individual the data is consistent with being in trans (on the opposite chromosome) from a pathogenic variant. ClinVar contains an entry for this variant (Variation ID: 1071418). Invitae Evidence Modeling of protein sequence and biophysical properties (such as structural, functional, and spatial information, amino acid conservation, physicochemical variation, residue mobility, and thermodynamic stability) indicates that this missense variant is expected to disrupt AMT protein function with a positive predictive value of 95%. For these reasons, this variant has been classified as Pathogenic.

Natera, Inc.
Classification: Pathogenic for Non-ketotic hyperglycinemia. Last evaluated: 2025-02-03. Review status: criteria provided, single submitter. Criteria: Natera Variant Classification Schema (03/2026). Collection method: clinical testing. Allele origin: germline.
Comment: The c.317T>C variant in AMT is a missense variant predicted to cause substitution of isoleucine to threonine at amino acid 106. This variant is rare in the general population with a frequency below the threshold expected for the associated phenotype(s). This variant has been observed in one or more individuals affected with the associated recessive disease, as either homozygous or compound heterozygous with a second variant (PMID: 26179960). Computational prediction algorithms indicate this variant is likely to affect gene or protein function. Given the available evidence, this variant is classified as Pathogenic.

Women's Health and Genetics/Laboratory Corporation of America, LabCorp
Classification: Pathogenic for Glycine encephalopathy. Last evaluated: 2024-09-20. Review status: criteria provided, single submitter. Criteria: LabCorp Variant Classification Summary - May 2015. Collection method: clinical testing. Allele origin: germline.
Comment: Variant summary: AMT c.317T>C (p.Ile106Thr) results in a non-conservative amino acid change located in the Aminomethyltransferase, folate-binding domain (IPR006222) of the encoded protein sequence. Five of five in-silico tools predict a damaging effect of the variant on protein function. The variant allele was found at a frequency of 4e-06 in 251490 control chromosomes. c.317T>C has been reported in the literature in the presumed compound heterozygous or homozygous state in multiple individuals affected with Glycine Encephalopathy (Non-Ketotic Hyperglycinemia) (example, Swanson_2015, Swanson_2022). These data indicate that the variant is very likely to be associated with disease. To our knowledge, no experimental evidence demonstrating an impact on protein function has been reported. The following publications have been ascertained in the context of this evaluation (PMID: 26179960, 35357708). ClinVar contains an entry for this variant (Variation ID: 1071418). Based on the evidence outlined above, the variant was classified as pathogenic.

Literature cited by the submitters: PubMed 26179960 (cited by 3 submitters); PubMed 35357708 (cited by Women's Health and Genetics/Laboratory Corporation of America, LabCorp).